The following is an entry in ClinVar:

NM_006766.5(KAT6A):c.3422A>T (p.Asp1141Val)

Gene: KAT6A (lysine acetyltransferase 6A; minus strand). Cytogenetic location: 8p11.21.
Variant type: single nucleotide variant.
Coding change: c.3422A>T on transcript NM_006766.5 (MANE Select); coding-DNA position 3422, A replaced by T.
Protein change: p.Asp1141Val; replaces aspartic acid 1141 with valine.
Molecular consequence: missense variant.
Genome position (GRCh38, 1-based): chr8:41,934,798, T>A on the plus strand (A>T on the coding strand, the complement: KAT6A is on the minus strand). VCF-style: chr8-41934798-T-A. GRCh37 (hg19) VCF-style: chr8-41792316-T-A.
Other names: short protein forms D1141V.
Identifiers: ClinVar variation 2122653 (VCV002122653.4), dbSNP rs2486758639, ClinGen allele CA371069189.

ClinVar aggregate classification (germline): Uncertain significance (1 of 4 stars; one submission).

Submission:

Labcorp Genetics (formerly Invitae), Labcorp
Classification: Uncertain significance. Last evaluated: 2022-04-07. Review status: criteria provided, single submitter. Criteria: Invitae Variant Classification Sherloc (09022015). Collection method: clinical testing. Allele origin: germline.
Comment: This sequence change replaces aspartic acid, which is acidic and polar, with valine, which is neutral and non-polar, at codon 1141 of the KAT6A protein (p.Asp1141Val). This variant is not present in population databases (gnomAD no frequency). This variant has not been reported in the literature in individuals affected with KAT6A-related conditions. Algorithms developed to predict the effect of missense changes on protein structure and function are either unavailable or do not agree on the potential impact of this missense change (SIFT: "Tolerated"; PolyPhen-2: "Probably Damaging"; Align-GVGD: "Class C0"). In summary, the available evidence is currently insufficient to determine the role of this variant in disease. Therefore, it has been classified as a Variant of Uncertain Significance.